The following is an entry in ClinVar:

ClinVar aggregate classification (germline): Uncertain significance (1 of 4 stars; one submission).

Conditions:
Intellectual disability, X-linked 102 (MRXSSB). Also called: Intellectual developmental disorder, X-linked syndromic, Snijders Blok type. Identifiers: Orphanet 457260, MedGen C5393299, MONDO:0010497, OMIM 300958.

Submission:

Neuberg Centre For Genomic Medicine, NCGM
Classification: Uncertain significance for Intellectual disability, X-linked 102. Review status: criteria provided, single submitter. Criteria: ACMG Guidelines, 2015. Collection method: clinical testing. Allele origin: germline. Affected: yes.
Comment: The missense variant c.1460T>C(p.Phe487Ser) in DDX3X gene has not been reported previously as a pathogenic variant nor as a benign variant, to our knowledge. The p.Phe487Ser variant is novel (not in any individuals) in gnomAD Exomes and 1000 Genomes. The amino acid Phe at position 487 is changed to a Ser changing protein sequence and it might alter its composition and physico-chemical properties. The variant is predicted to be damaging by both SIFT and PolyPhen2. The residue is conserved across species. The amino acid change p.Phe487Ser in DDX3X is predicted as conserved by GERP++ and PhyloP across 100 vertebrates. For these reasons, this variant has been classified as Uncertain Significance.

NM_001356.5(DDX3X):c.1460T>C (p.Phe487Ser)

Gene: DDX3X (DEAD-box helicase 3 X-linked; plus strand). Cytogenetic location: Xp11.4.
Variant type: single nucleotide variant.
Coding change: c.1460T>C on transcript NM_001356.5 (MANE Select); coding-DNA position 1460, T replaced by C.
Protein change: p.Phe487Ser; replaces phenylalanine 487 with serine.
Molecular consequence: missense variant. On other transcripts: non-coding transcript variant (1).
Genome position (GRCh38, 1-based): chrX:41,346,373, T>C. VCF-style: chrX-41346373-T-C. GRCh37 (hg19) VCF-style: chrX-41205626-T-C.
Other names: c.1460T>C, p.Phe487Ser (NM_001193416.3); c.1412T>C, p.Phe471Ser (NM_001193417.3); c.902T>C, p.Phe301Ser (NM_001363819.1); short protein forms F301S, F471S, F487S.
Identifiers: ClinVar variation 1878563 (VCV001878563.1), dbSNP rs2519523390, ClinGen allele CA412775683.